The following is an entry in ClinVar:

NM_001382.4(DPAGT1):c.671C>T (p.Ser224Phe)

Gene: DPAGT1 (dolichyl-phosphate N-acetylglucosaminephosphotransferase 1; minus strand). Cytogenetic location: 11q23.3.
Variant type: single nucleotide variant.
Coding change: c.671C>T on transcript NM_001382.4 (MANE Select); coding-DNA position 671, C replaced by T.
Protein change: p.Ser224Phe; replaces serine 224 with phenylalanine.
Molecular consequence: missense variant.
Genome position (GRCh38, 1-based): chr11:119,098,460, G>A on the plus strand (C>T on the coding strand, the complement: DPAGT1 is on the minus strand). VCF-style: chr11-119098460-G-A. GRCh37 (hg19) VCF-style: chr11-118969170-G-A.
Other names: short protein forms S224F.
Identifiers: ClinVar variation 656894 (VCV000656894.8), dbSNP rs751590922, ClinGen allele CA6314568.

ClinVar aggregate classification (germline): Uncertain significance (1 of 4 stars; one submission).

Conditions:
DPAGT1-congenital disorder of glycosylation. Also called: DPAGT1-CDG; CONGENITAL DISORDER OF GLYCOSYLATION, TYPE Ij; CDG Ij. Identifiers: Orphanet 86309, MedGen C2931004, MONDO:0011964, OMIM 608093.
Congenital myasthenic syndrome 13 (CMS13). Also called: Myasthenic syndrome, congenital, 13, with tubular aggregates; Myasthenic syndrome, congenital, with tubular aggregates 2. Identifiers: Orphanet 353327, Orphanet 590, MedGen C3553645, MONDO:0013883, OMIM 614750.

Allele frequency attached by ClinVar (database versions not stated): gnomAD 0.00006; ExAC 0.00004; gnomAD exomes 0.00007 and 0.00008.
gnomAD v4.1: 48 of 1,614,020 alleles (0.003%); highest among the groups gnomAD compares: Non-Finnish European, 0.000085%; no homozygotes.

Submission:

Labcorp Genetics (formerly Invitae), Labcorp
Classification: Uncertain significance for Congenital myasthenic syndrome 13; DPAGT1-congenital disorder of glycosylation. Last evaluated: 2022-08-10. Review status: criteria provided, single submitter. Criteria: Invitae Variant Classification Sherloc (09022015). Collection method: clinical testing. Allele origin: germline.
Comment: Algorithms developed to predict the effect of missense changes on protein structure and function are either unavailable or do not agree on the potential impact of this missense change (SIFT: "Deleterious"; PolyPhen-2: "Probably Damaging"; Align-GVGD: "Class C15"). In summary, the available evidence is currently insufficient to determine the role of this variant in disease. Therefore, it has been classified as a Variant of Uncertain Significance. ClinVar contains an entry for this variant (Variation ID: 656894). This variant has not been reported in the literature in individuals affected with DPAGT1-related conditions. This variant is present in population databases (rs751590922, gnomAD 0.07%). This sequence change replaces serine, which is neutral and polar, with phenylalanine, which is neutral and non-polar, at codon 224 of the DPAGT1 protein (p.Ser224Phe).